The following is an entry in ClinVar:

NM_001267550.2(TTN):c.27G>A (p.Thr9=)

Gene: TTN (titin; minus strand). Cytogenetic location: 2q31.2.
Variant type: single nucleotide variant.
Coding change: c.27G>A on transcript NM_001267550.2 (MANE Select); coding-DNA position 27, G replaced by A.
Protein change: p.Thr9=; no amino-acid change (threonine 9 retained).
Molecular consequence: synonymous variant.
Genome position (GRCh38, 1-based): chr2:178,804,616, C>T on the plus strand (G>A on the coding strand, the complement: TTN is on the minus strand). VCF-style: chr2-178804616-C-T. GRCh37 (hg19) VCF-style: chr2-179669343-C-T.
Other names: c.27G>A, p.Thr9= (NM_001256850.1, NM_003319.4, NM_133378.4 and 3 more transcripts).
Identifiers: ClinVar variation 413124 (VCV000413124.15), dbSNP rs760305568, ClinGen allele CA2006450.

ClinVar aggregate classification (germline): Likely benign. Review status: criteria provided, multiple submitters, no conflicts (2 of 4 stars). 4 submissions from 4 submitters: Likely benign (4). Last evaluated 2025-11-30.

Conditions:
Cardiovascular phenotype. Identifiers: MedGen CN230736.
TTN-related disorder. Also called: TTN-related disorders; TTN-related condition; TTN-related disease.
Autosomal recessive limb-girdle muscular dystrophy type 2J (LGMDR10). Also called: Limb-girdle muscular dystrophy, type 2J; MUSCULAR DYSTROPHY, LIMB-GIRDLE, AUTOSOMAL RECESSIVE 10. Identifiers: Orphanet 140922, MedGen C1837342, MONDO:0012127, OMIM 608807.
Dilated cardiomyopathy 1G (CMD1G). Identifiers: Orphanet 154, MedGen C1858763, MONDO:0011400, OMIM 604145.

Allele frequency attached by ClinVar (database versions not stated): ExAC 0.00001; gnomAD exomes 0.00001; gnomAD 0.00002 and 0.00003; TOPMed 0.00002.
gnomAD v4.1: 35 of 1,613,718 alleles (0.0022%); highest among the groups gnomAD compares: African/African-American, 0.008%; no homozygotes.

Submissions (4):

Labcorp Genetics (formerly Invitae), Labcorp
Classification: Likely benign for Dilated cardiomyopathy 1G; Autosomal recessive limb-girdle muscular dystrophy type 2J. Last evaluated: 2025-11-30. Review status: criteria provided, single submitter. Criteria: Invitae Variant Classification Sherloc (09022015). Collection method: clinical testing. Allele origin: germline.

PreventionGenetics, part of Exact Sciences
Classification: Likely benign for TTN-related condition. Last evaluated: 2025-08-28. Review status: criteria provided, single submitter. Criteria: ACMG Guidelines, 2015. Collection method: clinical testing. Allele origin: germline.
Comment: This variant is classified as likely benign based on ACMG/AMP sequence variant interpretation guidelines (Richards et al. 2015 PMID: 25741868, with internal and published modifications).

Ambry Genetics
Classification: Likely benign for Cardiovascular phenotype. Last evaluated: 2023-04-22. Review status: criteria provided, single submitter. Criteria: Ambry Variant Classification Scheme 2023. Collection method: clinical testing. Allele origin: germline.

Blueprint Genetics
Classification: Likely benign. Last evaluated: 2022-03-22. Review status: criteria provided, single submitter. Criteria: ACMG Guidelines, 2015. Collection method: clinical testing. Allele origin: germline.